The following is an entry in ClinVar:

NM_014806.5(RUSC2):c.494G>A (p.Arg165Gln)

Gene: RUSC2 (RUN and SH3 domain containing 2; plus strand). Cytogenetic location: 9p13.3.
Variant type: single nucleotide variant.
Coding change: c.494G>A on transcript NM_014806.5 (MANE Select); coding-DNA position 494, G replaced by A.
Protein change: p.Arg165Gln; replaces arginine 165 with glutamine.
Molecular consequence: missense variant. On other transcripts: non-coding transcript variant (1), intron variant (1).
Genome position (GRCh38, 1-based): chr9:35,547,015, G>A. VCF-style: chr9-35547015-G-A. GRCh37 (hg19) VCF-style: chr9-35547012-G-A.
Other names: c.494G>A, p.Arg165Gln (NM_001135999.2); c.-620-8045G>A (NM_001330740.2); short protein forms R165Q.
Identifiers: ClinVar variation 1520590 (VCV001520590.3), dbSNP rs376434474, ClinGen allele CA5043480.

ClinVar aggregate classification (germline): Uncertain significance (1 of 4 stars; one submission).

Allele frequency attached by ClinVar (database versions not stated): gnomAD 0.00001; TOPMed 0.00001; ESP Exome Variant Server 0.00008; 1000 Genomes Project 30x 0.00031.
gnomAD v4.1: 22 of 1,606,260 alleles (0.0014%); highest among the groups gnomAD compares: East Asian, 0.0022%; no homozygotes.

Submission:

Labcorp Genetics (formerly Invitae), Labcorp
Classification: Uncertain significance. Last evaluated: 2022-03-12. Review status: criteria provided, single submitter. Criteria: Invitae Variant Classification Sherloc (09022015). Collection method: clinical testing. Allele origin: germline.
Comment: This sequence change replaces arginine, which is basic and polar, with glutamine, which is neutral and polar, at codon 165 of the RUSC2 protein (p.Arg165Gln). This variant is present in population databases (rs376434474, gnomAD 0.003%). This variant has not been reported in the literature in individuals affected with RUSC2-related conditions. Algorithms developed to predict the effect of missense changes on protein structure and function are either unavailable or do not agree on the potential impact of this missense change (SIFT: "Deleterious"; PolyPhen-2: "Probably Damaging"; Align-GVGD: "Class C0"). In summary, the available evidence is currently insufficient to determine the role of this variant in disease. Therefore, it has been classified as a Variant of Uncertain Significance.